The following is an entry in ClinVar:

ClinVar aggregate classification (germline): Uncertain significance (1 of 4 stars; one submission).

Conditions:
Inborn genetic diseases. Identifiers: MedGen C0950123, MeSH D030342.

Submission:

Ambry Genetics
Classification: Uncertain significance for Inborn genetic diseases. Last evaluated: 2024-02-05. Review status: criteria provided, single submitter. Criteria: Ambry Variant Classification Scheme 2023. Collection method: clinical testing. Allele origin: germline.
Comment: The p.G233A variant (also known as c.698G>C), located in coding exon 7 of the AKT1 gene, results from a G to C substitution at nucleotide position 698. The glycine at codon 233 is replaced by alanine, an amino acid with similar properties. This amino acid position is conserved. In addition, this alteration is predicted to be deleterious by in silico analysis. Based on the available evidence, the clinical significance of this alteration remains unclear.

NM_001382430.1(AKT1):c.698G>C (p.Gly233Ala)

Gene: AKT1 (AKT serine/threonine kinase 1; minus strand). Cytogenetic location: 14q32.33.
Variant type: single nucleotide variant.
Coding change: c.698G>C on transcript NM_001382430.1 (MANE Select); coding-DNA position 698, G replaced by C.
Protein change: p.Gly233Ala; replaces glycine 233 with alanine.
Molecular consequence: missense variant.
Genome position (GRCh38, 1-based): chr14:104,773,916, C>G on the plus strand (G>C on the coding strand, the complement: AKT1 is on the minus strand). VCF-style: chr14-104773916-C-G. GRCh37 (hg19) VCF-style: chr14-105240253-C-G.
Other names: c.698G>C, p.Gly233Ala (NM_001014431.2, NM_001014432.2, NM_001382431.1 and 3 more transcripts); short protein forms G233A.
Identifiers: ClinVar variation 3224636 (VCV003224636.1), dbSNP rs2542133254, ClinGen allele CA391218708.